The following is an entry in ClinVar:

NM_000548.5(TSC2):c.2331T>C (p.His777=)

Gene: TSC2 (TSC complex subunit 2; plus strand). Cytogenetic location: 16p13.3.
Variant type: single nucleotide variant.
Coding change: c.2331T>C on transcript NM_000548.5 (MANE Select); coding-DNA position 2331, T replaced by C.
Protein change: p.His777=; no amino-acid change (histidine 777 retained).
Molecular consequence: synonymous variant.
Genome position (GRCh38, 1-based): chr16:2,072,959, T>C. VCF-style: chr16-2072959-T-C. GRCh37 (hg19) VCF-style: chr16-2122960-T-C.
Other names: c.2331T>C (NM_000548.4); c.2331T>C, p.His777= (NM_001077183.3, NM_001114382.3, NM_001363528.2 and 3 more transcripts); c.2220T>C, p.His740= (NM_001318827.2); c.2184T>C, p.His728= (NM_001318829.2); c.1731T>C, p.His577= (NM_001318831.2); c.2364T>C, p.His788= (NM_001318832.2).
Identifiers: ClinVar variation 130643 (VCV000130643.66), dbSNP rs139963953, ClinGen allele CA017198.

ClinVar aggregate classification (germline): Benign/Likely benign. Review status: criteria provided, multiple submitters, no conflicts (2 of 4 stars). 13 submissions from 13 submitters: Benign (6); Likely benign (7). Last evaluated 2026-01-21.

Conditions:
Hereditary cancer-predisposing syndrome. Also called: Tumor predisposition; Hereditary neoplastic syndrome; Neoplastic Syndromes, Hereditary; Hereditary Cancer Syndrome. Identifiers: Orphanet 140162, MedGen C0027672, MeSH D009386, MONDO:0015356.
Tuberous sclerosis syndrome (TSC). Also called: Tuberous Sclerosis Complex; Tuberous sclerosis. Identifiers: Orphanet 805, MedGen C0041341, MONDO:0001734.
Tuberous sclerosis 2 (TSC2). Identifiers: Orphanet 805, MedGen C1860707, MONDO:0013199, OMIM 613254.

Allele frequency attached by ClinVar (database versions not stated): gnomAD 0.00001; TOPMed 0.00002; gnomAD exomes 0.00003; ExAC 0.00005; ESP Exome Variant Server 0.00008.
gnomAD v4.1: 54 of 1,613,422 alleles (0.0033%); highest among the groups gnomAD compares: Middle Eastern, 0.15%; no homozygotes.

Submissions (13):

Labcorp Genetics (formerly Invitae), Labcorp
Classification: Benign for Tuberous sclerosis 2. Last evaluated: 2026-01-21. Review status: criteria provided, single submitter. Criteria: Invitae Variant Classification Sherloc (09022015). Collection method: clinical testing. Allele origin: germline.

Myriad Genetics, Inc.
Classification: Benign for Tuberous sclerosis 2. Last evaluated: 2025-05-19. Review status: criteria provided, single submitter. Criteria: Myriad Autosomal Dominant, Autosomal Recessive and X-Linked Classification Criteria (2023). Collection method: clinical testing. Allele origin: unknown.
Comment: This variant is considered benign. This variant is a silent/synonymous amino acid change and it is not expected to impact splicing.

Athena Diagnostics
Classification: Benign. Last evaluated: 2024-12-31. Review status: criteria provided, single submitter. Criteria: Athena Diagnostics Criteria. Collection method: clinical testing. Allele origin: unknown.
Comment: The frequency of this variant in the general population is higher than would generally be expected for pathogenic variants in this gene. Computational tools yielded predictions that this variant is unlikely to have an effect on normal RNA splicing. This nucleotide position exhibits low evolutionary conservation.

Blueprint Genetics
Classification: Likely benign. Last evaluated: 2024-07-02. Review status: criteria provided, single submitter. Criteria: ACMG Guidelines, 2015. Collection method: clinical testing. Allele origin: germline.

All of Us Research Program, National Institutes of Health
Classification: Likely benign for Tuberous sclerosis syndrome. Last evaluated: 2024-02-05. Review status: criteria provided, single submitter. Criteria: ACMG Guidelines, 2015. Collection method: clinical testing. Allele origin: germline. Inheritance: Autosomal dominant inheritance. Observed: 8 variant alleles, 8 heterozygotes.
Comment: This study involves interpretation of variants in research participants for the purpose of population health screening. Participant phenotype was not available at the time of variant classification. Additional details can be found in publication PMID: 35346344, PMCID: PMC8962531

KCCC/NGS Laboratory, Kuwait Cancer Control Center
Classification: Benign for Tuberous sclerosis 2. Last evaluated: 2023-07-07. Review status: criteria provided, single submitter. Criteria: ACMG Guidelines, 2015. Collection method: clinical testing. Allele origin: germline. Affected: yes.

Color Diagnostics, LLC DBA Color Health
Classification: Likely benign for Tuberous sclerosis syndrome. Last evaluated: 2022-09-26. Review status: criteria provided, single submitter. Criteria: ACMG Guidelines, 2015. Collection method: clinical testing. Allele origin: germline.

Genome-Nilou Lab
Classification: Benign for Tuberous sclerosis 2. Last evaluated: 2021-11-07. Review status: criteria provided, single submitter. Criteria: ACMG Guidelines, 2015. Collection method: clinical testing. Allele origin: germline. Affected: no.

CeGaT Center for Human Genetics Tuebingen
Classification: Likely benign. Last evaluated: 2020-06-01. Review status: criteria provided, single submitter. Criteria: CeGaT Center For Human Genetics Tuebingen Variant Classification Criteria Version 2. Collection method: clinical testing. Allele origin: germline. Affected: yes. Observed: 2 variant alleles.

Illumina Laboratory Services, Illumina
Classification: Likely benign for Tuberous sclerosis syndrome. Last evaluated: 2018-01-12. Review status: criteria provided, single submitter. Criteria: ICSL Variant Classification Criteria 13 December 2019. Collection method: clinical testing. Allele origin: germline.
Comment: This variant was observed in the ICSL laboratory as part of a predisposition screen in an ostensibly healthy population. It had not been previously curated by ICSL or reported in the Human Gene Mutation Database (HGMD: prior to June 1st, 2018), and was therefore a candidate for classification through an automated scoring system. Utilizing variant allele frequency, disease prevalence and penetrance estimates, and inheritance mode, an automated score was calculated to assess if this variant is too frequent to cause the disease. Based on the score and internal cut-off values, a variant classified as likely benign is not then subjected to further curation. The score for this variant resulted in a classification of likely benign for this disease.

Ambry Genetics
Classification: Likely benign for Hereditary cancer-predisposing syndrome. Last evaluated: 2016-10-08. Review status: criteria provided, single submitter. Criteria: Ambry Variant Classification Scheme 2023. Collection method: clinical testing. Allele origin: germline.

GeneDx
Classification: Benign. Last evaluated: 2015-05-11. Review status: criteria provided, single submitter. Criteria: GeneDx Variant Classification (06012015). Collection method: clinical testing. Allele origin: germline. Affected: yes.
Comment: This variant is considered likely benign or benign based on one or more of the following criteria: it is a conservative change, it occurs at a poorly conserved position in the protein, it is predicted to be benign by multiple in silico algorithms, and/or has population frequency not consistent with disease.

Genetic Services Laboratory, University of Chicago
Classification: Likely benign for AllHighlyPenetrant. Last evaluated: 2013-12-31. Review status: criteria provided, single submitter. Criteria: ACMG Guidelines, 2007. Collection method: clinical testing. Allele origin: germline. Inheritance: Autosomal dominant inheritance.